The following is an entry in ClinVar:

ClinVar aggregate classification (germline): Uncertain significance (1 of 4 stars; one submission).

Conditions:
Brain small vessel disease 1 with or without ocular anomalies (BSVD1). Also called: PORENCEPHALY, TYPE 1, AUTOSOMAL DOMINANT; GOULD SYNDROME 1; Brain small vessel disease with or without ocular anomalies; BRAIN SMALL VESSEL DISEASE WITH HEMORRHAGE. Identifiers: Orphanet 2940, Orphanet 36383, Orphanet 99810, MedGen C4755307, MONDO:0008289, OMIM 175780.

Submission:

3billion
Classification: Uncertain significance for Brain small vessel disease 1 with or without ocular anomalies. Last evaluated: 2024-12-30. Review status: criteria provided, single submitter. Criteria: ACMG Guidelines, 2015. Collection method: clinical testing. Allele origin: germline. Affected: yes.
Comment: The variant is not observed in the gnomAD v4.1.0 dataset. Predicted Consequence/Location: Missense variant. Missense changes are a common disease-causing mechanism. In silico tool predictions suggest damaging effect of the variant on gene or gene product [REVEL: 0.77 (>=0.6, sensitivity 0.68 and specificity 0.92); 3Cnet: 0.79 (>=0.6, sensitivity 0.72 and precision 0.9)]. The variant has been reported as of uncertain significance (ClinVar ID: VCV001690655). Different missense changes at the same codon have been reported as of uncertain significance (ClinVar ID: VCV002977115). Therefore, this variant is classified as VUS according to the recommendation of ACMG/AMP guideline.

NM_001845.6(COL4A1):c.2617G>A (p.Gly873Arg)

Gene: COL4A1 (collagen type IV alpha 1 chain; minus strand). Cytogenetic location: 13q34.
Variant type: single nucleotide variant.
Coding change: c.2617G>A on transcript NM_001845.6 (MANE Select); coding-DNA position 2617, G replaced by A.
Protein change: p.Gly873Arg; replaces glycine 873 with arginine.
Molecular consequence: missense variant.
Genome position (GRCh38, 1-based): chr13:110,178,073, C>T on the plus strand (G>A on the coding strand, the complement: COL4A1 is on the minus strand). VCF-style: chr13-110178073-C-T. GRCh37 (hg19) VCF-style: chr13-110830420-C-T.
Other names: short protein forms G873R.
Identifiers: ClinVar variation 4293183 (VCV004293183.1).
Genomic context (GRCh38, chr13:110,178,073, plus strand): 5'-GAGGCCCATGTCTTCATGATGGATCCAGGCAGAAGTTCAAAAATCACTTACCTGGAAACC[C>T]AGGAATCCCAGGAGCCCCCTGCTGTCCAGGAAGGCCAGGGAGCCCCGACTGTCCCGTTAT-3'
Protein context (NP_001836.3, residues 863-883): PGQQGAPGIP[Gly873Arg]FPGSKGEMGV